The following is an entry in ClinVar:

NM_198252.3(GSN):c.1326-3C>T

Gene: GSN (gelsolin; plus strand). Cytogenetic location: 9q33.2.
Variant type: single nucleotide variant.
Coding change: c.1326-3C>T on transcript NM_198252.3 (MANE Select); 3 bases into the intron before coding-DNA position 1326, C replaced by T.
Molecular consequence: intron variant.
Genome position (GRCh38, 1-based): chr9:121,324,551, C>T. VCF-style: chr9-121324551-C-T. GRCh37 (hg19) VCF-style: chr9-124086829-C-T.
Other names: c.1326-3C>T (NM_001353054.1, NM_001353053.1, NM_001353060.2 and 10 more transcripts); c.1359-3C>T (NM_001353064.2, NM_001353066.2, NM_001353073.2 and 13 more transcripts); c.1434-3C>T (NM_001127663.2); c.1398-3C>T (NM_001353076.2); c.672-3C>T (NM_001353078.2); c.1377-3C>T (NM_001258029.2); c.1350-3C>T (NM_001258030.2); c.1479-3C>T (NM_000177.5).
Identifiers: ClinVar variation 4811644 (VCV004811644.1).

ClinVar aggregate classification (germline): Uncertain significance (1 of 4 stars; one submission).

Submission:

Labcorp Genetics (formerly Invitae), Labcorp
Classification: Uncertain significance. Last evaluated: 2025-09-01. Review status: criteria provided, single submitter. Criteria: Invitae Variant Classification Sherloc (09022015). Collection method: clinical testing. Allele origin: germline.
Comment: This sequence change falls in intron 10 of the GSN gene. It does not directly change the encoded amino acid sequence of the GSN protein. It affects a nucleotide within the consensus splice site. This variant is not present in population databases (gnomAD no frequency). This variant has not been reported in the literature in individuals affected with GSN-related conditions. Variants that disrupt the consensus splice site are a relatively common cause of aberrant splicing (PMID: 17576681, 9536098). Algorithms developed to predict the effect of sequence changes on RNA splicing suggest that this variant is not likely to affect RNA splicing. In summary, the available evidence is currently insufficient to determine the role of this variant in disease. Therefore, it has been classified as a Variant of Uncertain Significance.

Literature cited by the submitters: PubMed 17576681; PubMed 9536098.